The following is an entry in ClinVar:

ClinVar aggregate classification (germline): Likely benign. Review status: criteria provided, multiple submitters, no conflicts (2 of 4 stars). 3 submissions from 3 submitters: Likely benign (2). 1 of the submissions does not count toward it. Last evaluated 2023-06-15.

Conditions:
GLI3-related disorder. Also called: GLI3-related disorders; GLI3-related condition. Identifiers: MedGen CN239292.
Pallister-Hall syndrome (PHS). Also called: GLI3-Related Pallister-Hall Syndrome; HYPOTHALAMIC HAMARTOBLASTOMA, HYPOPITUITARISM, IMPERFORATE ANUS, AND POSTAXIAL POLYDACTYLY. Identifiers: Orphanet 672, MedGen C0265220, MONDO:0007804, OMIM 146510.
Greig cephalopolysyndactyly syndrome (GCPS). Also called: POLYSYNDACTYLY WITH PECULIAR SKULL SHAPE; Greig syndrome; GLI3-Related Greig Cephalopolysyndactyly Syndrome. Identifiers: Orphanet 380, MedGen C0265306, MONDO:0008287, OMIM 175700.

Allele frequency attached by ClinVar (database versions not stated): TOPMed 0.00002.
gnomAD v4.1: 37 of 1,614,054 alleles (0.0023%); highest among the groups gnomAD compares: Non-Finnish European, 0.0031%; no homozygotes.

Submissions (3):

Blueprint Genetics
Classification: Likely benign. Last evaluated: 2023-06-15. Review status: criteria provided, single submitter. Criteria: ACMG Guidelines, 2015. Collection method: clinical testing. Allele origin: germline.

Labcorp Genetics (formerly Invitae), Labcorp
Classification: Likely benign for Pallister-Hall syndrome; Greig cephalopolysyndactyly syndrome. Last evaluated: 2021-07-24. Review status: criteria provided, single submitter. Criteria: Invitae Variant Classification Sherloc (09022015). Collection method: clinical testing. Allele origin: germline.

PreventionGenetics, part of Exact Sciences
Classification: Likely benign for GLI3-related condition. Last evaluated: 2024-03-26. Review status: no assertion criteria provided. Collection method: clinical testing. Allele origin: germline. Not counted in ClinVar's aggregate classification.
Comment: This variant is classified as likely benign based on ACMG/AMP sequence variant interpretation guidelines (Richards et al. 2015 PMID: 25741868, with internal and published modifications).

NM_000168.6(GLI3):c.2232C>A (p.Ile744=)

Gene: GLI3 (GLI family zinc finger 3; minus strand). Cytogenetic location: 7p14.1.
Variant type: single nucleotide variant.
Coding change: c.2232C>A on transcript NM_000168.6 (MANE Select); coding-DNA position 2232, C replaced by A.
Protein change: p.Ile744=; no amino-acid change (isoleucine 744 retained).
Molecular consequence: synonymous variant.
Genome position (GRCh38, 1-based): chr7:41,967,795, G>T on the plus strand (C>A on the coding strand, the complement: GLI3 is on the minus strand). VCF-style: chr7-41967795-G-T. GRCh37 (hg19) VCF-style: chr7-42007393-G-T.
Identifiers: ClinVar variation 761774 (VCV000761774.10), dbSNP rs772276953, ClinGen allele CA4230658.